The following is an entry in ClinVar:

NM_001972.4(ELANE):c.462G>T (p.Met154Ile)

Gene: ELANE (elastase, neutrophil expressed; plus strand). Cytogenetic location: 19p13.3.
Variant type: single nucleotide variant.
Coding change: c.462G>T on transcript NM_001972.4 (MANE Select); coding-DNA position 462, G replaced by T.
Protein change: p.Met154Ile; replaces methionine 154 with isoleucine.
Molecular consequence: missense variant.
Genome position (GRCh38, 1-based): chr19:855,659, G>T. VCF-style: chr19-855659-G-T. GRCh37 (hg19) VCF-style: chr19-855659-G-T.
Other names: short protein forms M154I.
Identifiers: ClinVar variation 4618398 (VCV004618398.1).

ClinVar aggregate classification (germline): Uncertain significance (1 of 4 stars; one submission).

Conditions:
Inborn genetic diseases. Identifiers: MedGen C0950123, MeSH D030342.

Submission:

Ambry Genetics
Classification: Uncertain significance for Inborn genetic diseases. Last evaluated: 2025-09-29. Review status: criteria provided, single submitter. Criteria: Ambry Variant Classification Scheme 2023. Collection method: clinical testing. Allele origin: germline.
Comment: The p.M154I variant (also known as c.462G>T), located in coding exon 4 of the ELANE gene, results from a G to T substitution at nucleotide position 462. The methionine at codon 154 is replaced by isoleucine, an amino acid with highly similar properties. This amino acid position is conserved. In addition, the in silico prediction for this alteration is inconclusive. Based on the available evidence, the clinical significance of this variant remains unclear.